The following is an entry in ClinVar:

NM_152296.5(ATP1A3):c.372C>T (p.Ile124=)

Gene: ATP1A3 (ATPase Na+/K+ transporting subunit alpha 3; minus strand). Cytogenetic location: 19q13.2.
Variant type: single nucleotide variant.
Coding change: c.372C>T on transcript NM_152296.5 (MANE Select); coding-DNA position 372, C replaced by T.
Protein change: p.Ile124=; no amino-acid change (isoleucine 124 retained).
Molecular consequence: synonymous variant.
Genome position (GRCh38, 1-based): chr19:41,986,215, G>A on the plus strand (C>T on the coding strand, the complement: ATP1A3 is on the minus strand). VCF-style: chr19-41986215-G-A. GRCh37 (hg19) VCF-style: chr19-42490367-G-A.
Other names: c.405C>T, p.Ile135= (NM_001256213.2); c.411C>T, p.Ile137= (NM_001256214.2).
Identifiers: ClinVar variation 2166867 (VCV002166867.9), dbSNP rs1555865416, ClinGen allele CA507695618.

ClinVar aggregate classification (germline): Likely benign. Review status: criteria provided, multiple submitters, no conflicts (2 of 4 stars). 2 submissions from 2 submitters: Likely benign (2). Last evaluated 2025-12-01.

Conditions:
Dystonia 12 (DYT12). Also called: Rapid-Onset Dystonia-Parkinsonism (RDP); DYT-ATP1A3. Identifiers: Orphanet 71517, MedGen C1868681, MONDO:0007496, OMIM 128235.

gnomAD v4.1: 3 of 1,613,948 alleles (0.00019%); highest among the groups gnomAD compares: Admixed American, 0.0033%; no homozygotes.

Submissions (2):

CeGaT Center for Human Genetics Tuebingen
Classification: Likely benign. Last evaluated: 2025-12-01. Review status: criteria provided, single submitter. Criteria: CeGaT Center For Human Genetics Tuebingen Variant Classification Criteria Version 2. Collection method: clinical testing. Allele origin: germline. Affected: yes. Observed: 1 variant allele.
Comment: ATP1A3: BP4, BP7

Labcorp Genetics (formerly Invitae), Labcorp
Classification: Likely benign for Dystonia 12. Last evaluated: 2021-12-27. Review status: criteria provided, single submitter. Criteria: Invitae Variant Classification Sherloc (09022015). Collection method: clinical testing. Allele origin: germline.